The following is an entry in ClinVar:

NM_007327.4(GRIN1):c.394-139C>A

Gene: GRIN1 (glutamate ionotropic receptor NMDA type subunit 1; plus strand). Cytogenetic location: 9q34.3.
Variant type: single nucleotide variant.
Coding change: c.394-139C>A on transcript NM_007327.4 (MANE Select); 139 bases into the intron before coding-DNA position 394, C replaced by A.
Molecular consequence: intron variant.
Genome position (GRCh38, 1-based): chr9:137,145,587, C>A. VCF-style: chr9-137145587-C-A. GRCh37 (hg19) VCF-style: chr9-140040039-C-A.
Other names: c.394-139C>A (NM_001185090.2, NM_001185091.2, NM_021569.4 and 1 more transcripts).
Identifiers: ClinVar variation 681799 (VCV000681799.1), dbSNP rs11146023, ClinGen allele CA201731301.
Genomic context (GRCh38, chr9:137,145,587, plus strand): 5'-AAGTGTCCCCAGGGTGGTAGGGACGGGGTGGGAGACACGAGGGGGTCCCAGGGTCTAGAA[C>A]GTGTCCCCATGGGGGTGGGGACAGGGGTGGGAGGAGGGGGGTTCCCAGCCTCCGGCGGGT-3'

ClinVar aggregate classification (germline): Benign (1 of 4 stars; one submission).

Allele frequency attached by ClinVar (database versions not stated): gnomAD 0.18358; 1000 Genomes Project 0.82768; gnomAD exomes 0.91268.

Submission:

GeneDx
Classification: Benign. Last evaluated: 2018-06-14. Review status: criteria provided, single submitter. Criteria: GeneDx Variant Classification (06012015). Collection method: clinical testing. Allele origin: germline. Affected: yes.
Comment: This variant is considered likely benign or benign based on one or more of the following criteria: it is a conservative change, it occurs at a poorly conserved position in the protein, it is predicted to be benign by multiple in silico algorithms, and/or has population frequency not consistent with disease.